The following is an entry in ClinVar:

ClinVar aggregate classification (germline): Likely benign (1 of 4 stars; one submission).

gnomAD v4.1: 240 of 1,552,118 alleles (0.015%); highest among the groups gnomAD compares: African/African-American, 0.019%; no homozygotes.

Submission:

CeGaT Center for Human Genetics Tuebingen
Classification: Likely benign. Last evaluated: 2026-06-01. Review status: criteria provided, single submitter. Criteria: CeGaT Center For Human Genetics Tuebingen Variant Classification Criteria Version 2. Collection method: clinical testing. Allele origin: germline. Affected: yes. Observed: 1 variant allele.
Comment: SETD1B: BP4, BP7

NM_001353345.2(SETD1B):c.5676C>T (p.Ile1892=)

Gene: SETD1B (SET domain containing 1B, histone lysine methyltransferase; plus strand). Cytogenetic location: 12q24.31.
Variant type: single nucleotide variant.
Coding change: c.5676C>T on transcript NM_001353345.2 (MANE Select); coding-DNA position 5676, C replaced by T.
Protein change: p.Ile1892=; no amino-acid change (isoleucine 1892 retained).
Molecular consequence: synonymous variant.
Genome position (GRCh38, 1-based): chr12:121,828,019, C>T. VCF-style: chr12-121828019-C-T. GRCh37 (hg19) VCF-style: chr12-122265925-C-T.
Identifiers: ClinVar variation 4873465 (VCV004873465.2).
Genomic context (GRCh38, chr12:121,828,019, plus strand): 5'-TTATGAGGACGAGGGCATCGGGAGCAGCTACATGTTCCGGGTGGACCATGACACCATCAT[C>T]GACGCCACCAAGTGCGGCAACTTCGCGCGCTTCATCAACCACAGCTGCAACGTGAGTGCC-3'
Protein context (NP_001340274.1, residues 1882-1902): YMFRVDHDTI[Ile1892=]DATKCGNFAR